The following is an entry in ClinVar:

NM_000548.5(TSC2):c.3097T>C (p.Tyr1033His)

Gene: TSC2 (TSC complex subunit 2; plus strand). Cytogenetic location: 16p13.3.
Variant type: single nucleotide variant.
Coding change: c.3097T>C on transcript NM_000548.5 (MANE Select); coding-DNA position 3097, T replaced by C.
Protein change: p.Tyr1033His; replaces tyrosine 1033 with histidine.
Molecular consequence: missense variant.
Genome position (GRCh38, 1-based): chr16:2,079,162, T>C. VCF-style: chr16-2079162-T-C. GRCh37 (hg19) VCF-style: chr16-2129163-T-C.
Other names: c.2965T>C, p.Tyr989His (NM_001077183.3, NM_001370404.1); c.3097T>C, p.Tyr1033His (NM_001114382.3); c.2857T>C, p.Tyr953His (NM_001318827.2); c.2821T>C, p.Tyr941His (NM_001318829.2); c.2365T>C, p.Tyr789His (NM_001318831.2); c.2998T>C, p.Tyr1000His (NM_001318832.2); c.2968T>C, p.Tyr990His (NM_001363528.2, NM_001370405.1, NM_021055.3); short protein forms Y1033H, Y789H, Y953H, Y941H, Y990H, Y989H, Y1000H.
Identifiers: ClinVar variation 50040 (VCV000050040.9), dbSNP rs137854404, ClinGen allele CA018504.

ClinVar aggregate classification (germline): Uncertain significance. Review status: criteria provided, multiple submitters, no conflicts (2 of 4 stars). 3 submissions from 3 submitters: Uncertain significance (2). 1 of the submissions does not count toward it. Last evaluated 2025-10-27.

Conditions:
Tuberous sclerosis syndrome (TSC). Also called: Tuberous Sclerosis Complex; Tuberous sclerosis. Identifiers: Orphanet 805, MedGen C0041341, MONDO:0001734.
Tuberous sclerosis 2 (TSC2). Identifiers: Orphanet 805, MedGen C1860707, MONDO:0013199, OMIM 613254.
Hereditary cancer-predisposing syndrome. Also called: Neoplastic Syndromes, Hereditary; Tumor predisposition; Hereditary Cancer Syndrome; Hereditary neoplastic syndrome. Identifiers: Orphanet 140162, MedGen C0027672, MeSH D009386, MONDO:0015356.

Allele frequency attached by ClinVar (database versions not stated): gnomAD exomes below 0.00001.

Submissions (3):

Labcorp Genetics (formerly Invitae), Labcorp
Classification: Uncertain significance for Tuberous sclerosis 2. Last evaluated: 2025-10-27. Review status: criteria provided, single submitter. Criteria: Invitae Variant Classification Sherloc (09022015). Collection method: clinical testing. Allele origin: germline.
Comment: This sequence change replaces tyrosine, which is neutral and polar, with histidine, which is basic and polar, at codon 1033 of the TSC2 protein (p.Tyr1033His). This variant is not present in population databases (gnomAD no frequency). This missense change has been observed in individual(s) with tuberous sclerosis complex (PMID: 22903760). ClinVar contains an entry for this variant (Variation ID: 50040). Invitae Evidence Modeling of protein sequence and biophysical properties (such as structural, functional, and spatial information, amino acid conservation, physicochemical variation, residue mobility, and thermodynamic stability) indicates that this missense variant is not expected to disrupt TSC2 protein function with a negative predictive value of 95%. Experimental studies have shown that this missense change does not substantially affect TSC2 function (PMID: 22903760). In summary, the available evidence is currently insufficient to determine the role of this variant in disease. Therefore, it has been classified as a Variant of Uncertain Significance.

Ambry Genetics
Classification: Uncertain significance for Hereditary cancer-predisposing syndrome. Last evaluated: 2025-09-17. Review status: criteria provided, single submitter. Criteria: Ambry Variant Classification Scheme 2023. Collection method: clinical testing. Allele origin: germline.
Comment: The p.Y1033H variant (also known as c.3097T>C), located in coding exon 26 of the TSC2 gene, results from a T to C substitution at nucleotide position 3097. The tyrosine at codon 1033 is replaced by histidine, an amino acid with similar properties. In one functional study, this alteration was found to have similar TSC1-TSC2 dependent inhibition of TORC1 as wild-type (Hoogeveen-Westerveld M et al. Hum Mutat, 2013 Jan;34:167-75). This amino acid position is highly conserved in available vertebrate species. In addition, this alteration is predicted to be deleterious by in silico analysis. Based on the available evidence, the clinical significance of this variant remains unclear.

Tuberous sclerosis database (TSC2)
No classification provided. Condition: TSC. Review status: no classification provided. Criteria: Tuberous Sclerosis Database Assertion Criteria 2015. Collection method: curation. Allele origin: germline. Affected: yes. Not counted in ClinVar's aggregate classification.

Literature cited by the submitters: PubMed 22903760 (cited by Labcorp Genetics (formerly Invitae), Labcorp and Ambry Genetics).